The following is an entry in ClinVar:

NM_014225.6(PPP2R1A):c.78+11T>C

Gene: PPP2R1A (protein phosphatase 2 scaffold subunit Aalpha; plus strand). Cytogenetic location: 19q13.41.
Variant type: single nucleotide variant.
Coding change: c.78+11T>C on transcript NM_014225.6 (MANE Select); 11 bases into the intron after coding-DNA position 78, T replaced by C.
Molecular consequence: intron variant.
Genome position (GRCh38, 1-based): chr19:52,190,185, T>C. VCF-style: chr19-52190185-T-C. GRCh37 (hg19) VCF-style: chr19-52693438-T-C.
Identifiers: ClinVar variation 1170866 (VCV001170866.33), dbSNP rs201099965, ClinGen allele CA9621221.

ClinVar aggregate classification (germline): Benign/Likely benign. Review status: criteria provided, multiple submitters, no conflicts (2 of 4 stars). 2 submissions from 2 submitters: Benign (1); Likely benign (1). Last evaluated 2026-01-09.

Allele frequency attached by ClinVar (database versions not stated): 1000 Genomes Project 30x 0.00016; 1000 Genomes Project 0.00020; ExAC 0.00028; gnomAD exomes 0.00068; TOPMed 0.00073; ESP Exome Variant Server 0.00087; gnomAD 0.00107 and 0.00111.
gnomAD v4.1: 2,028 of 1,550,162 alleles (0.13%); highest among the groups gnomAD compares: Non-Finnish European, 0.16%; 1 homozygote.

Submissions (2):

Labcorp Genetics (formerly Invitae), Labcorp
Classification: Benign. Last evaluated: 2026-01-09. Review status: criteria provided, single submitter. Criteria: Invitae Variant Classification Sherloc (09022015). Collection method: clinical testing. Allele origin: germline.

CeGaT Center for Human Genetics Tuebingen
Classification: Likely benign. Last evaluated: 2025-12-01. Review status: criteria provided, single submitter. Criteria: CeGaT Center For Human Genetics Tuebingen Variant Classification Criteria Version 2. Collection method: clinical testing. Allele origin: germline. Affected: yes. Observed: 3 variant alleles.
Comment: PPP2R1A: PP2, BP4, BS1